The following is an entry in ClinVar:

NM_130797.4(DPP6):c.2121C>T (p.Ala707=)

Gene: DPP6 (dipeptidyl peptidase like 6; plus strand). Cytogenetic location: 7q36.2.
Variant type: single nucleotide variant.
Coding change: c.2121C>T on transcript NM_130797.4 (MANE Select); coding-DNA position 2121, C replaced by T.
Protein change: p.Ala707=; no amino-acid change (alanine 707 retained).
Molecular consequence: synonymous variant. On other transcripts: non-coding transcript variant (2).
Genome position (GRCh38, 1-based): chr7:154,880,930, C>T. VCF-style: chr7-154880930-C-T. GRCh37 (hg19) VCF-style: chr7-154672640-C-T.
Other names: c.1929C>T, p.Ala643= (NM_001039350.3); c.1800C>T, p.Ala600= (NM_001290252.2); c.1938C>T, p.Ala646= (NM_001364497.2, NM_001364498.2, NM_001364499.2 and 1 more transcripts); c.1935C>T, p.Ala645= (NM_001936.5).
Identifiers: ClinVar variation 3389271 (VCV003389271.14).
Genomic context (GRCh38, chr7:154,880,930, plus strand): 5'-CCCTCCTCGACCTCACAGGACGATGCTGAAGGAGCAGTACATTGACAGGACGCGCGTGGC[C>T]GTGTTTGGGAAGGTGAGTCTGCGCCACCCTGGTCTGAAAACCCCTCAGTTCCAGTGTGGC-3'
Protein context (NP_570629.2, residues 697-717): KEQYIDRTRV[Ala707=]VFGKDYGGYL

ClinVar aggregate classification (germline): Likely benign (1 of 4 stars; one submission).

gnomAD v4.1: 68 of 1,613,786 alleles (0.0042%); highest among the groups gnomAD compares: African/African-American, 0.035%; no homozygotes.

Submission:

CeGaT Center for Human Genetics Tuebingen
Classification: Likely benign. Last evaluated: 2024-09-01. Review status: criteria provided, single submitter. Criteria: CeGaT Center For Human Genetics Tuebingen Variant Classification Criteria Version 2. Collection method: clinical testing. Allele origin: germline. Affected: yes. Observed: 1 variant allele.
Comment: DPP6: BP4, BP7